The following is an entry in ClinVar:

NM_001281740.3(FHOD3):c.2384C>T (p.Pro795Leu)

Gene: FHOD3 (formin homology 2 domain containing 3; plus strand). Cytogenetic location: 18q12.2.
Variant type: single nucleotide variant.
Coding change: c.2384C>T on transcript NM_001281740.3 (MANE Select); coding-DNA position 2384, C replaced by T.
Protein change: p.Pro795Leu; replaces proline 795 with leucine.
Molecular consequence: missense variant.
Genome position (GRCh38, 1-based): chr18:36,709,242, C>T. VCF-style: chr18-36709242-C-T. GRCh37 (hg19) VCF-style: chr18-34289205-C-T.
Other names: c.1808C>T, p.Pro603Leu (NM_001281739.3); c.1859C>T, p.Pro620Leu (NM_025135.5); short protein forms P795L, P603L, P620L.
Identifiers: ClinVar variation 4979998 (VCV004979998.1).
Genomic context (GRCh38, chr18:36,709,242, plus strand): 5'-ACATAGCCTCTGCCCACGAGGGTGCAGAGACTGAAGTGGAGCAGGCACTAGAGCAAGAGC[C>T]GGAAGAAAGAGCCTCCCTCAGTGAAAAAGAGAGGCAGAACGAGGGGGTGAACGAGAGGGA-3'
Protein context (NP_001268669.1, residues 785-805): TEVEQALEQE[Pro795Leu]EERASLSEKE

ClinVar aggregate classification (germline): Likely benign (1 of 4 stars; one submission).

Conditions:
FHOD3-related disorder. Also called: FHOD3-related condition.

gnomAD v4.1: 121 of 1,613,922 alleles (0.0075%); highest among the groups gnomAD compares: Middle Eastern, 0.066%; no homozygotes.

Submission:

PreventionGenetics, part of Exact Sciences
Classification: Likely benign for FHOD3-related condition. Last evaluated: 2026-05-06. Review status: criteria provided, single submitter. Criteria: ACMG Guidelines, 2015. Collection method: clinical testing. Allele origin: germline.
Comment: This variant is classified as likely benign based on ACMG/AMP sequence variant interpretation guidelines (Richards et al. 2015 PMID: 25741868, with internal and published modifications).